The following is an entry in ClinVar:

NM_004463.3(FGD1):c.1392C>T (p.Leu464=)

Gene: FGD1 (FYVE, RhoGEF and PH domain containing 1; minus strand). Cytogenetic location: Xp11.22.
Variant type: single nucleotide variant.
Coding change: c.1392C>T on transcript NM_004463.3 (MANE Select); coding-DNA position 1392, C replaced by T.
Protein change: p.Leu464=; no amino-acid change (leucine 464 retained).
Molecular consequence: synonymous variant.
Genome position (GRCh38, 1-based): chrX:54,465,801, G>A on the plus strand (C>T on the coding strand, the complement: FGD1 is on the minus strand). VCF-style: chrX-54465801-G-A. GRCh37 (hg19) VCF-style: chrX-54492234-G-A.
Identifiers: ClinVar variation 713039 (VCV000713039.22), dbSNP rs371568066, ClinGen allele CA10425106.

ClinVar aggregate classification (germline): Benign/Likely benign. Review status: criteria provided, multiple submitters, no conflicts (2 of 4 stars). 3 submissions from 3 submitters: Benign (1); Likely benign (2). Last evaluated 2025-05-05.

Allele frequency attached by ClinVar (database versions not stated): TOPMed 0.00002; ExAC 0.00003; gnomAD 0.00003; gnomAD exomes 0.00003 and 0.00005; ESP Exome Variant Server 0.00019.
gnomAD v4.1: 65 of 1,209,437 alleles (0.0054%); highest among the groups gnomAD compares: Non-Finnish European, 0.0065%; no homozygotes.

Submissions (3):

Labcorp Genetics (formerly Invitae), Labcorp
Classification: Benign. Last evaluated: 2025-05-05. Review status: criteria provided, single submitter. Criteria: Invitae Variant Classification Sherloc (09022015). Collection method: clinical testing. Allele origin: germline.

CeGaT Center for Human Genetics Tuebingen
Classification: Likely benign. Last evaluated: 2024-12-01. Review status: criteria provided, single submitter. Criteria: CeGaT Center For Human Genetics Tuebingen Variant Classification Criteria Version 2. Collection method: clinical testing. Allele origin: germline. Affected: yes. Observed: 1 variant allele.
Comment: FGD1: BP4, BP7, BS2

Blueprint Genetics
Classification: Likely benign. Last evaluated: 2024-11-25. Review status: criteria provided, single submitter. Criteria: ACMG Guidelines, 2015. Collection method: clinical testing. Allele origin: germline.